The following is an entry in ClinVar:

ClinVar aggregate classification (germline): Uncertain significance (1 of 4 stars; one submission).

Submission:

Labcorp Genetics (formerly Invitae), Labcorp
Classification: Uncertain significance. Last evaluated: 2024-01-02. Review status: criteria provided, single submitter. Criteria: Invitae Variant Classification Sherloc (09022015). Collection method: clinical testing. Allele origin: germline.
Comment: This variant, c.999_1001del, results in the deletion of 1 amino acid(s) of the PRKCSH protein (p.Glu333del), but otherwise preserves the integrity of the reading frame. The frequency data for this variant in the population databases is considered unreliable, as metrics indicate poor data quality at this position in the gnomAD database. This variant has not been reported in the literature in individuals affected with PRKCSH-related conditions. Experimental studies and prediction algorithms are not available or were not evaluated, and the functional significance of this variant is currently unknown. In summary, the available evidence is currently insufficient to determine the role of this variant in disease. Therefore, it has been classified as a Variant of Uncertain Significance.

NM_001289104.2(PRKCSH):c.987GGA[4] (p.Glu333del)

Gene: PRKCSH (PRKCSH beta subunit of glucosidase II; plus strand). Cytogenetic location: 19p13.2.
Variant type: Microsatellite.
Coding change: c.987GGA[4] on transcript NM_001289104.2 (MANE Select); four copies in a row of the 3-base unit GGA starting at c.987; the reference has five copies in a row; one copy, 3 bases deleted.
Protein change: p.Glu333del; deletes glutamic acid 333.
Molecular consequence: inframe deletion.
Genome position (GRCh38, 1-based): chr19:11,447,588-11,447,590, GGA deleted; deleting any 3 consecutive bases within chr19:11,447,574-11,447,590 gives the same sequence; the position shown is the placement nearest the transcript's 3' end. VCF-style (leftmost placement, unchanged base first): chr19-11447573-AGAG-A. GRCh37 (hg19) VCF-style: chr19-11558388-AGAG-A.
Other names: c.987GGA[4], p.Glu333del (NM_001001329.3, NM_001289102.2, NM_001289103.2 and 3 more transcripts); short protein forms E333del.
Identifiers: ClinVar variation 1521919 (VCV001521919.8), dbSNP rs763059069, ClinGen allele CA9213097.